The following is an entry in ClinVar:

ClinVar aggregate classification (germline): Conflicting classifications of pathogenicity. Review status: criteria provided, conflicting classifications (1 of 4 stars). 3 submissions from 3 submitters: Uncertain significance (1); Likely benign (2). Last evaluated 2025-11-27.

Conditions:
Inborn genetic diseases. Identifiers: MedGen C0950123, MeSH D030342.

Allele frequency attached by ClinVar (database versions not stated): TOPMed below 0.00001; gnomAD 0.00001; gnomAD exomes 0.00003 and 0.00005; ExAC 0.00006.
gnomAD v4.1: 39 of 1,553,268 alleles (0.0025%); highest among the groups gnomAD compares: South Asian, 0.0047%; no homozygotes.

Submissions (3):

Labcorp Genetics (formerly Invitae), Labcorp
Classification: Uncertain significance. Last evaluated: 2025-11-27. Review status: criteria provided, single submitter. Criteria: Invitae Variant Classification Sherloc (09022015). Collection method: clinical testing. Allele origin: germline.
Comment: This sequence change replaces proline, which is neutral and non-polar, with leucine, which is neutral and non-polar, at codon 927 of the TONSL protein (p.Pro927Leu). The frequency data for this variant in the population databases is considered unreliable, as metrics indicate poor data quality at this position in the gnomAD database. This variant has not been reported in the literature in individuals affected with TONSL-related conditions. ClinVar contains an entry for this variant (Variation ID: 1524786). Invitae Evidence Modeling of protein sequence and biophysical properties (such as structural, functional, and spatial information, amino acid conservation, physicochemical variation, residue mobility, and thermodynamic stability) indicates that this missense variant is not expected to disrupt TONSL protein function with a negative predictive value of 80%. In summary, the available evidence is currently insufficient to determine the role of this variant in disease. Therefore, it has been classified as a Variant of Uncertain Significance.

Blueprint Genetics
Classification: Likely benign. Last evaluated: 2024-11-15. Review status: criteria provided, single submitter. Criteria: ACMG Guidelines, 2015. Collection method: clinical testing. Allele origin: germline.

Ambry Genetics
Classification: Likely benign for Inborn genetic diseases. Last evaluated: 2023-11-06. Review status: criteria provided, single submitter. Criteria: Ambry Variant Classification Scheme 2023. Collection method: clinical testing. Allele origin: germline.

NM_013432.5(TONSL):c.2780C>T (p.Pro927Leu)

Genes: TONSL (tonsoku like, DNA repair protein; minus strand), TONSL-AS1 (TONSL antisense RNA 1; plus strand). Cytogenetic location: 8q24.3.
Variant type: single nucleotide variant.
Coding change: c.2780C>T on transcript NM_013432.5 (MANE Select); coding-DNA position 2780, C replaced by T.
Protein change: p.Pro927Leu; replaces proline 927 with leucine.
Molecular consequence: missense variant.
Genome position (GRCh38, 1-based): chr8:144,435,546, G>A on the plus strand (C>T on the coding strand, the complement: TONSL is on the minus strand). VCF-style: chr8-144435546-G-A. GRCh37 (hg19) VCF-style: chr8-145660929-G-A.
Other names: c.2780C>T (NM_013432.4); short protein forms P927L.
Identifiers: ClinVar variation 1524786 (VCV001524786.6), dbSNP rs774827204, ClinGen allele CA4942707.